The following is an entry in ClinVar:

NM_004387.4(NKX2-5):c.443C>G (p.Ala148Gly)

Gene: NKX2-5 (NK2 homeobox 5; minus strand). Cytogenetic location: 5q35.1.
Variant type: single nucleotide variant.
Coding change: c.443C>G on transcript NM_004387.4 (MANE Select); coding-DNA position 443, C replaced by G.
Protein change: p.Ala148Gly; replaces alanine 148 with glycine.
Molecular consequence: missense variant. On other transcripts: 3 prime UTR variant (2).
Genome position (GRCh38, 1-based): chr5:173,233,101, G>C on the plus strand (C>G on the coding strand, the complement: NKX2-5 is on the minus strand). VCF-style: chr5-173233101-G-C. GRCh37 (hg19) VCF-style: chr5-172660104-G-C.
Other names: c.*396C>G (NM_001166175.2); c.*242C>G (NM_001166176.2); short protein forms A148G.
Identifiers: ClinVar variation 4120359 (VCV004120359.1).
Genomic context (GRCh38, chr5:173,233,101, plus strand): 5'-CGTTCGGGGGCCGACAGGTACCGCTGCTGCTTGAAGCGCCGCTCCAGCTCATAGACCTGC[G>C]CCTGCGAGAAGAGCACGCGCGGCTTCCTCCGCCGTCGCGCCCGGGGCCGCTCCGCGTTGT-3'
Protein context (NP_004378.1, residues 138-158): RRKPRVLFSQ[Ala148Gly]QVYELERRFK

ClinVar aggregate classification (germline): Uncertain significance (1 of 4 stars; one submission).

Conditions:
Cardiovascular phenotype. Identifiers: MedGen CN230736.

Submission:

Ambry Genetics
Classification: Uncertain significance for Cardiovascular phenotype. Last evaluated: 2025-08-12. Review status: criteria provided, single submitter. Criteria: Ambry Variant Classification Scheme 2023. Collection method: clinical testing. Allele origin: germline.
Comment: The p.A148G variant (also known as c.443C>G), located in coding exon 2 of the NKX2-5 gene, results from a C to G substitution at nucleotide position 443. The alanine at codon 148 is replaced by glycine, an amino acid with similar properties. This amino acid position is conserved. In addition, this alteration is predicted to be deleterious by in silico analysis. Based on the available evidence, the clinical significance of this variant remains unclear.